The following is an entry in ClinVar:

ClinVar aggregate classification (germline): Pathogenic (1 of 4 stars; one submission).

Conditions:
Intellectual developmental disorder, autosomal dominant 46. Also called: MENTAL RETARDATION, AUTOSOMAL DOMINANT 46; Intellectual disability, autosomal dominant 46. Identifiers: MedGen C4539851, MONDO:0030911, OMIM 617601.

Submission:

Juno Genomics, Hangzhou Juno Genomics, Inc
Classification: Pathogenic for Intellectual developmental disorder, autosomal dominant 46. Review status: criteria provided, single submitter. Criteria: ACMG Guidelines, 2015. Collection method: clinical testing. Allele origin: germline. Affected: yes.
Comment: Absent from controls (or at extremely low frequency if recessive) in Genome Aggregation Database, Exome Sequencing Project, 1000 Genomes Project, or Exome Aggregation Consortium.;Null variant in a gene where loss of function (LOF) is a known mechanism of disease.;Patient's phenotype or family history is highly specific for a disease with a single genetic etiology.

NM_019842.4(KCNQ5):c.966G>A (p.Trp322Ter)

Gene: KCNQ5 (potassium voltage-gated channel subfamily Q member 5; plus strand). Cytogenetic location: 6q13.
Variant type: single nucleotide variant.
Coding change: c.966G>A on transcript NM_019842.4 (MANE Select); coding-DNA position 966, G replaced by A.
Protein change: p.Trp322Ter; replaces tryptophan 322 with a stop codon.
Molecular consequence: nonsense.
Genome position (GRCh38, 1-based): chr6:73,105,304, G>A. VCF-style: chr6-73105304-G-A. GRCh37 (hg19) VCF-style: chr6-73815027-G-A.
Other names: c.966G>A, p.Trp322Ter (NM_001160130.2, NM_001160132.2, NM_001160133.2 and 1 more transcripts); short protein forms W322*.
Identifiers: ClinVar variation 3381895 (VCV003381895.2).